The following is an entry in ClinVar:

ClinVar aggregate classification (germline): Uncertain significance (1 of 4 stars; one submission).

Conditions:
Neurodevelopmental disorder. Identifiers: MedGen C1535926, MeSH D065886, MONDO:0700092.

Submission:

Victorian Clinical Genetics Services, Murdoch Childrens Research Institute
Classification: Uncertain significance for Neurodevelopmental disorder. Last evaluated: 2023-07-17. Review status: criteria provided, single submitter. Criteria: ACMG Guidelines, 2015. Collection method: clinical testing. Allele origin: germline. Inheritance: Autosomal dominant inheritance. Affected: yes.
Comment: Based on the classification scheme VCGS_Germline_v1.3.4, this variant is classified as VUS-3A. Following criteria are met: 0102 - Loss of function is a known mechanism of disease in this gene and is associated with neurodevelopmental disorder, MPP5-related (PMID:33073849). (I) 0107 - This gene is associated with autosomal dominant disease. (I) 0211 - Canonical splice site variant without proven consequence on splicing (no functional evidence available). (SP) 0251 - This variant is heterozygous. (I) 0301 - Variant is absent from gnomAD (both v2 and v3). (SP) 0505 - Abnormal splicing is predicted by in silico tools and affected nucleotide is highly conserved. (SP) 0705 - No comparable canonical splice site variants have previous evidence for pathogenicity. (I) 0807 - This variant has no previous evidence of pathogenicity. (I) 0905 - No published segregation evidence has been identified for this variant. (I) 1007 - No published functional evidence has been identified for this variant. (I) 1208 - Inheritance information for this variant is not currently available in this individual. (I) Legend: (SP) - Supporting pathogenic, (I) - Information, (SB) - Supporting benign

Literature cited by the submitters: PubMed 33073849.

NM_022474.4(PALS1):c.1851+1G>T

Genes: GPHN (gephyrin; plus strand), PALS1 (protein associated with LIN7 1, MAGUK p55 family member; plus strand). Cytogenetic location: 14q23.3.
Variant type: single nucleotide variant.
Coding change: c.1851+1G>T on transcript NM_022474.4 (MANE Select); the canonical splice donor site of the intron after coding-DNA position 1851, G replaced by T.
Molecular consequence: splice donor variant.
Genome position (GRCh38, 1-based): chr14:67,323,813, G>T. VCF-style: chr14-67323813-G-T. GRCh37 (hg19) VCF-style: chr14-67790530-G-T.
Other names: c.1749+1G>T (NM_001256550.2).
Identifiers: ClinVar variation 3376757 (VCV003376757.1).